The following is an entry in ClinVar:

ClinVar aggregate classification (germline): Uncertain significance. Review status: criteria provided, multiple submitters, no conflicts (2 of 4 stars). 2 submissions from 2 submitters: Uncertain significance (2). Last evaluated 2025-10-30.

Allele frequency attached by ClinVar (database versions not stated): gnomAD exomes below 0.00001; ExAC 0.00001; gnomAD 0.00001; TOPMed 0.00001; ESP Exome Variant Server 0.00008.
gnomAD v4.1: 6 of 1,613,896 alleles (0.00037%); highest among the groups gnomAD compares: Non-Finnish European, 0.00042%; no homozygotes.

Submissions (2):

Ambry Genetics
Classification: Uncertain significance. Last evaluated: 2025-10-30. Review status: criteria provided, single submitter. Criteria: Ambry Variant Classification Scheme 2023. Collection method: clinical testing. Allele origin: germline.

Labcorp Genetics (formerly Invitae), Labcorp
Classification: Uncertain significance. Last evaluated: 2022-06-07. Review status: criteria provided, single submitter. Criteria: Invitae Variant Classification Sherloc (09022015). Collection method: clinical testing. Allele origin: germline.
Comment: Algorithms developed to predict the effect of missense changes on protein structure and function (SIFT, PolyPhen-2, Align-GVGD) all suggest that this variant is likely to be tolerated. This sequence change replaces proline, which is neutral and non-polar, with histidine, which is basic and polar, at codon 511 of the FAM65B protein (p.Pro511His). This variant is present in population databases (rs370413269, gnomAD 0.004%). This variant has not been reported in the literature in individuals affected with FAM65B-related conditions. In summary, the available evidence is currently insufficient to determine the role of this variant in disease. Therefore, it has been classified as a Variant of Uncertain Significance.

NM_001286445.3(RIPOR2):c.1469C>A (p.Pro490His)

Gene: RIPOR2 (RHO family interacting cell polarization regulator 2; minus strand). Cytogenetic location: 6p22.3.
Variant type: single nucleotide variant.
Coding change: c.1469C>A on transcript NM_001286445.3 (MANE Select); coding-DNA position 1469, C replaced by A.
Protein change: p.Pro490His; replaces proline 490 with histidine.
Molecular consequence: missense variant.
Genome position (GRCh38, 1-based): chr6:24,843,250, G>T on the plus strand (C>A on the coding strand, the complement: RIPOR2 is on the minus strand). VCF-style: chr6-24843250-G-T. GRCh37 (hg19) VCF-style: chr6-24843478-G-T.
Other names: c.1484C>A, p.Pro495His (NM_001286446.3); c.1382C>A, p.Pro461His (NM_001286447.2, NM_001346031.2, NM_001346032.2 and 1 more transcripts); c.1532C>A, p.Pro511His (NM_014722.5); c.1532C>A (NM_014722.2); short protein forms P490H, P461H, P495H, P511H.
Identifiers: ClinVar variation 1895961 (VCV001895961.6), dbSNP rs370413269, ClinGen allele CA3659247.